The following is an entry in ClinVar:

ClinVar aggregate classification (germline): Conflicting classifications of pathogenicity. Review status: criteria provided, conflicting classifications (1 of 4 stars). 3 submissions from 3 submitters: Uncertain significance (2); Likely benign (1). Last evaluated 2025-11-03.

Conditions:
Cardiovascular phenotype. Identifiers: MedGen CN230736.
Primary dilated cardiomyopathy (DCM). Also called: Dilated Cardiomyopathy. Identifiers: Orphanet 217604, MedGen C0007193, MeSH D002311, MONDO:0005021, HP:0001644. Inheritance: Various modes of inheritance.

Allele frequency attached by ClinVar (database versions not stated): TOPMed 0.00003; gnomAD 0.00004.
gnomAD v4.1: 61 of 1,613,836 alleles (0.0038%); highest among the groups gnomAD compares: Non-Finnish European, 0.0047%; no homozygotes.

Submissions (3):

Ambry Genetics
Classification: Uncertain significance for Cardiovascular phenotype. Last evaluated: 2025-11-03. Review status: criteria provided, single submitter. Criteria: Ambry Variant Classification Scheme 2023. Collection method: clinical testing. Allele origin: germline.
Comment: The c.449+4C>T intronic variant results from a C to T substitution 4 nucleotides after coding exon 5 in the TXNRD2 gene. This nucleotide position is not well conserved in available vertebrate species. In silico splice site analysis predicts that this alteration will not have any significant effect on splicing. The evidence for this gene-disease relationship is limited; therefore, the clinical significance of this alteration is unclear.

Labcorp Genetics (formerly Invitae), Labcorp
Classification: Uncertain significance for Primary dilated cardiomyopathy. Last evaluated: 2025-09-14. Review status: criteria provided, single submitter. Criteria: Invitae Variant Classification Sherloc (09022015). Collection method: clinical testing. Allele origin: germline.
Comment: This sequence change falls in intron 5 of the TXNRD2 gene. It does not directly change the encoded amino acid sequence of the TXNRD2 protein. It affects a nucleotide within the consensus splice site. This variant is present in population databases (rs755751835, gnomAD 0.009%). This variant has not been reported in the literature in individuals affected with TXNRD2-related conditions. ClinVar contains an entry for this variant (Variation ID: 392835). Variants that disrupt the consensus splice site are a relatively common cause of aberrant splicing (PMID: 17576681, 9536098). Algorithms developed to predict the effect of sequence changes on RNA splicing suggest that this variant is not likely to affect RNA splicing. In summary, the available evidence is currently insufficient to determine the role of this variant in disease. Therefore, it has been classified as a Variant of Uncertain Significance.

GeneDx
Classification: Likely benign. Last evaluated: 2019-06-12. Review status: criteria provided, single submitter. Criteria: GeneDx Variant Classification Process June 2021. Collection method: clinical testing. Allele origin: germline. Affected: yes.

Literature cited by the submitters: PubMed 17576681 (cited by Labcorp Genetics (formerly Invitae), Labcorp); PubMed 9536098 (cited by Labcorp Genetics (formerly Invitae), Labcorp).

NM_006440.5(TXNRD2):c.449+4C>T

Gene: TXNRD2 (thioredoxin reductase 2; minus strand). Cytogenetic location: 22q11.21.
Variant type: single nucleotide variant.
Coding change: c.449+4C>T on transcript NM_006440.5 (MANE Select); 4 bases into the intron after coding-DNA position 449, C replaced by T.
Molecular consequence: intron variant.
Genome position (GRCh38, 1-based): chr22:19,918,139, G>A on the plus strand (C>T on the coding strand, the complement: TXNRD2 is on the minus strand). VCF-style: chr22-19918139-G-A. GRCh37 (hg19) VCF-style: chr22-19905662-G-A.
Other names: c.446+4C>T (NM_001352300.2); c.161+4C>T (NM_001352302.2); c.359+4C>T (NM_001352301.2); c.449+4C>T (NM_001282512.3); c.353+4C>T (NM_001352303.2).
Identifiers: ClinVar variation 392835 (VCV000392835.10), dbSNP rs755751835, ClinGen allele CA10104205.